The following is an entry in ClinVar:

NM_001197104.2(KMT2A):c.2324C>T (p.Ser775Phe)

Gene: KMT2A (lysine methyltransferase 2A; plus strand). Cytogenetic location: 11q23.3.
Variant type: single nucleotide variant.
Coding change: c.2324C>T on transcript NM_001197104.2 (MANE Select); coding-DNA position 2324, C replaced by T.
Protein change: p.Ser775Phe; replaces serine 775 with phenylalanine.
Molecular consequence: missense variant.
Genome position (GRCh38, 1-based): chr11:118,473,483, C>T. VCF-style: chr11-118473483-C-T. GRCh37 (hg19) VCF-style: chr11-118344198-C-T.
Other names: c.2423C>T, p.Ser808Phe (NM_001412597.1); c.2324C>T, p.Ser775Phe (NM_005933.4); short protein forms S775F, S808F.
Identifiers: ClinVar variation 2712131 (VCV002712131.3), dbSNP rs2134267584, ClinGen allele CA382814506.

ClinVar aggregate classification (germline): Uncertain significance (1 of 4 stars; one submission).

Submission:

Labcorp Genetics (formerly Invitae), Labcorp
Classification: Uncertain significance. Last evaluated: 2024-01-31. Review status: criteria provided, single submitter. Criteria: Invitae Variant Classification Sherloc (09022015). Collection method: clinical testing. Allele origin: germline.
Comment: This sequence change replaces serine, which is neutral and polar, with phenylalanine, which is neutral and non-polar, at codon 775 of the KMT2A protein (p.Ser775Phe). This variant is not present in population databases (gnomAD no frequency). This variant has not been reported in the literature in individuals affected with KMT2A-related conditions. Advanced modeling of protein sequence and biophysical properties (such as structural, functional, and spatial information, amino acid conservation, physicochemical variation, residue mobility, and thermodynamic stability) has been performed at Invitae for this missense variant, however the output from this modeling did not meet the statistical confidence thresholds required to predict the impact of this variant on KMT2A protein function. In summary, the available evidence is currently insufficient to determine the role of this variant in disease. Therefore, it has been classified as a Variant of Uncertain Significance.